The following is an entry in ClinVar:

ClinVar aggregate classification (germline): Likely pathogenic (1 of 4 stars; one submission).

Conditions:
Maturity-onset diabetes of the young type 1. Also called: MILD JUVENILE DIABETES MELLITUS; MODY, type I; MODY type 1; Diabetes mellitus MODY type 1; MODY HNF4A related; HNF4A-Related Maturity-Onset Diabetes of the Young Type 1. Identifiers: Orphanet 552, MedGen C1852093, MONDO:0007452, OMIM 125850. Disease mechanism: loss of function.

gnomAD v4.1: 1 of 1,614,204 alleles (0.000062%); highest among the groups gnomAD compares: Non-Finnish European, 0.000085%; no homozygotes.

Submission:

Geisinger Clinic, Geisinger Health System
Classification: Likely pathogenic for Maturity-onset diabetes of the young type 1. Last evaluated: 2022-08-02. Review status: criteria provided, single submitter. Criteria: ACMG Guidelines, 2015. Collection method: research. Allele origin: germline. Inheritance: Autosomal dominant inheritance. Affected: yes. Observed: 1 variant allele.
Comment: PP3, PM2, PP4_Supporting, PM1_Supporting, PP1_Supporting

Literature cited by the submitters: PubMed 36257325.

NM_175914.5(HNF4A):c.469A>C (p.Lys157Gln)

Gene: HNF4A (hepatocyte nuclear factor 4 alpha; plus strand). Cytogenetic location: 20q13.12.
Variant type: single nucleotide variant.
Coding change: c.469A>C on transcript NM_175914.5 (MANE Select); coding-DNA position 469, A replaced by C.
Protein change: p.Lys157Gln; replaces lysine 157 with glutamine.
Molecular consequence: missense variant.
Genome position (GRCh38, 1-based): chr20:44,414,549, A>C. VCF-style: chr20-44414549-A-C. GRCh37 (hg19) VCF-style: chr20-43043189-A-C.
Other names: c.535A>C, p.Lys179Gln (NM_000457.6, NM_178849.3, NM_178850.3); c.469A>C, p.Lys157Gln (NM_001030003.3, NM_001030004.3); c.514A>C, p.Lys172Gln (NM_001258355.2); c.460A>C, p.Lys154Gln (NM_001287182.2, NM_001287183.2, NM_001287184.2); short protein forms K154Q, K157Q, K172Q, K179Q.
Identifiers: ClinVar variation 1700682 (VCV001700682.2), dbSNP rs2515679716, ClinGen allele CA409105949.